The following is an entry in ClinVar:

ClinVar aggregate classification (germline): Uncertain significance. Review status: criteria provided, multiple submitters, no conflicts (2 of 4 stars). 2 submissions from 2 submitters: Uncertain significance (2). Last evaluated 2024-11-07.

Conditions:
Inborn genetic diseases. Identifiers: MedGen C0950123, MeSH D030342.

Allele frequency attached by ClinVar (database versions not stated): gnomAD 0.00001; TOPMed 0.00001; gnomAD exomes 0.00002; ExAC 0.00005.
gnomAD v4.1: 26 of 1,613,890 alleles (0.0016%); highest among the groups gnomAD compares: Non-Finnish European, 0.0021%; no homozygotes.

Submissions (2):

Labcorp Genetics (formerly Invitae), Labcorp
Classification: Uncertain significance. Last evaluated: 2024-11-07. Review status: criteria provided, single submitter. Criteria: Invitae Variant Classification Sherloc (09022015). Collection method: clinical testing. Allele origin: germline.
Comment: This sequence change replaces leucine, which is neutral and non-polar, with phenylalanine, which is neutral and non-polar, at codon 249 of the MDH2 protein (p.Leu249Phe). This variant is present in population databases (rs782637025, gnomAD 0.006%). This variant has not been reported in the literature in individuals affected with MDH2-related conditions. ClinVar contains an entry for this variant (Variation ID: 1759010). Invitae Evidence Modeling of protein sequence and biophysical properties (such as structural, functional, and spatial information, amino acid conservation, physicochemical variation, residue mobility, and thermodynamic stability) indicates that this missense variant is expected to disrupt MDH2 protein function with a positive predictive value of 80%. In summary, the available evidence is currently insufficient to determine the role of this variant in disease. Therefore, it has been classified as a Variant of Uncertain Significance.

Ambry Genetics
Classification: Uncertain significance for Inborn genetic diseases. Last evaluated: 2023-12-31. Review status: criteria provided, single submitter. Criteria: Ambry Variant Classification Scheme 2023. Collection method: clinical testing. Allele origin: germline.
Comment: The p.L249F variant (also known as c.745C>T), located in coding exon 8 of the MDH2 gene, results from a C to T substitution at nucleotide position 745. The leucine at codon 249 is replaced by phenylalanine, an amino acid with highly similar properties. This amino acid position is conserved. In addition, this alteration is predicted to be deleterious by in silico analysis. Since supporting evidence is limited at this time, the clinical significance of this alteration remains unclear.

NM_005918.4(MDH2):c.745C>T (p.Leu249Phe)

Gene: MDH2 (malate dehydrogenase 2; plus strand). Cytogenetic location: 7q11.23.
Variant type: single nucleotide variant.
Coding change: c.745C>T on transcript NM_005918.4 (MANE Select); coding-DNA position 745, C replaced by T.
Protein change: p.Leu249Phe; replaces leucine 249 with phenylalanine.
Molecular consequence: missense variant.
Genome position (GRCh38, 1-based): chr7:76,064,813, C>T. VCF-style: chr7-76064813-C-T. GRCh37 (hg19) VCF-style: chr7-75694131-C-T.
Other names: c.619C>T, p.Leu207Phe (NM_001282403.2); c.424C>T, p.Leu142Phe (NM_001282404.2); short protein forms L207F, L142F, L249F.
Identifiers: ClinVar variation 1759010 (VCV001759010.3), dbSNP rs782637025, ClinGen allele CA4305699.